The following is an entry in ClinVar:

ClinVar aggregate classification (germline): Uncertain significance (1 of 4 stars; one submission).

Submission:

GeneDx
Classification: Uncertain significance. Last evaluated: 2024-07-18. Review status: criteria provided, single submitter. Criteria: GeneDx Variant Classification Process June 2021. Collection method: clinical testing. Allele origin: germline. Affected: yes.
Comment: Not observed at significant frequency in large population cohorts (gnomAD); In silico analysis supports that this missense variant has a deleterious effect on protein structure/function; Has not been previously published as pathogenic or benign to our knowledge

NM_001379451.1(BCORL1):c.2276C>A (p.Pro759His)

Gene: BCORL1 (BCL6 corepressor like 1; plus strand). Cytogenetic location: Xq26.1.
Variant type: single nucleotide variant.
Coding change: c.2276C>A on transcript NM_001379451.1 (MANE Select); coding-DNA position 2276, C replaced by A.
Protein change: p.Pro759His; replaces proline 759 with histidine.
Molecular consequence: missense variant.
Genome position (GRCh38, 1-based): chrX:130,015,048, C>A. VCF-style: chrX-130015048-C-A. GRCh37 (hg19) VCF-style: chrX-129149024-C-A.
Other names: c.2276C>A, p.Pro759His (NM_001184772.3, NM_001379450.1, NM_021946.5); short protein forms P759H.
Identifiers: ClinVar variation 3573886 (VCV003573886.1).
Genomic context (GRCh38, chrX:130,015,048, plus strand): 5'-ACCGTGACCCCCGCCATCTCCCCAAGCAGGAGCCCATCTCCATCATTGATCAAGGAGAGC[C>A]TAAGGGCACTGGTGCCACGTGTGGCAAAAAGGGCAGCCAGGCTGGTGCTGAGGGACAGCC-3'
Protein context (NP_001366380.1, residues 749-769): EPISIIDQGE[Pro759His]KGTGATCGKK